The following is an entry in ClinVar:

NM_014339.7(IL17RA):c.17G>A (p.Ser6Asn)

Genes: IL17RA (interleukin 17 receptor A; plus strand), LOC130066894 (ATAC-STARR-seq lymphoblastoid silent region 13430; plus strand). Cytogenetic location: 22q11.1.
Variant type: single nucleotide variant.
Coding change: c.17G>A on transcript NM_014339.7 (MANE Select); coding-DNA position 17, G replaced by A.
Protein change: p.Ser6Asn; replaces serine 6 with asparagine.
Molecular consequence: missense variant.
Genome position (GRCh38, 1-based): chr22:17,085,108, G>A. VCF-style: chr22-17085108-G-A. GRCh37 (hg19) VCF-style: chr22-17565998-G-A.
Other names: c.17G>A, p.Ser6Asn (NM_001289905.2); short protein forms S6N.
Identifiers: ClinVar variation 2161151 (VCV002161151.1), dbSNP rs2061321130, ClinGen allele CA410210089.

ClinVar aggregate classification (germline): Uncertain significance (1 of 4 stars; one submission).

Conditions:
Immunodeficiency 51 (IMD51). Also called: CANDIDIASIS, FAMILIAL, 5. Identifiers: Orphanet 1334, MedGen C4310803, MONDO:0013500, OMIM 613953.

gnomAD v4.1: 5 of 1,368,894 alleles (0.00037%); highest among the groups gnomAD compares: Non-Finnish European, 0.00047%; no homozygotes.

Submission:

Labcorp Genetics (formerly Invitae), Labcorp
Classification: Uncertain significance for Immunodeficiency 51. Last evaluated: 2022-06-17. Review status: criteria provided, single submitter. Criteria: Invitae Variant Classification Sherloc (09022015). Collection method: clinical testing. Allele origin: germline.
Comment: This sequence change replaces serine, which is neutral and polar, with asparagine, which is neutral and polar, at codon 6 of the IL17RA protein (p.Ser6Asn). This variant is not present in population databases (gnomAD no frequency). This variant has not been reported in the literature in individuals affected with IL17RA-related conditions. Algorithms developed to predict the effect of missense changes on protein structure and function are either unavailable or do not agree on the potential impact of this missense change (SIFT: "Tolerated"; PolyPhen-2: "Not Available"; Align-GVGD: "Class C0"). In summary, the available evidence is currently insufficient to determine the role of this variant in disease. Therefore, it has been classified as a Variant of Uncertain Significance.